The following is an entry in ClinVar:

NM_001145319.2(PLS1):c.954C>T (p.Ala318=)

Gene: PLS1 (plastin 1; plus strand). Cytogenetic location: 3q23.
Variant type: single nucleotide variant.
Coding change: c.954C>T on transcript NM_001145319.2 (MANE Select); coding-DNA position 954, C replaced by T.
Protein change: p.Ala318=; no amino-acid change (alanine 318 retained).
Molecular consequence: synonymous variant.
Genome position (GRCh38, 1-based): chr3:142,686,349, C>T. VCF-style: chr3-142686349-C-T. GRCh37 (hg19) VCF-style: chr3-142405191-C-T.
Other names: c.954C>T, p.Ala318= (NM_001172312.2, NM_002670.3).
Identifiers: ClinVar variation 770893 (VCV000770893.29), dbSNP rs41265481, ClinGen allele CA2651178.

ClinVar aggregate classification (germline): Benign/Likely benign. Review status: criteria provided, multiple submitters, no conflicts (2 of 4 stars). 4 submissions from 4 submitters: Benign (2); Likely benign (1). 1 of the submissions does not count toward it. Last evaluated 2025-11-01.

Conditions:
PLS1-related disorder. Also called: PLS1-related condition.

Allele frequency attached by ClinVar (database versions not stated): 1000 Genomes Project 30x 0.00203; 1000 Genomes Project 0.00220; TOPMed 0.00365; ESP Exome Variant Server 0.00377; gnomAD 0.00465.
gnomAD v4.1: 8,722 of 1,607,978 alleles (0.54%); highest among the groups gnomAD compares: Non-Finnish European, 0.66%; 35 homozygotes.

Submissions (4):

CeGaT Center for Human Genetics Tuebingen
Classification: Likely benign. Last evaluated: 2025-11-01. Review status: criteria provided, single submitter. Criteria: CeGaT Center For Human Genetics Tuebingen Variant Classification Criteria Version 2. Collection method: clinical testing. Allele origin: germline. Affected: yes. Observed: 2 variant alleles.
Comment: PLS1: BP4, BP7, BS2

Labcorp Genetics (formerly Invitae), Labcorp
Classification: Benign. Last evaluated: 2017-06-26. Review status: criteria provided, single submitter. Criteria: Invitae Variant Classification Sherloc (09022015). Collection method: clinical testing. Allele origin: germline.

Breakthrough Genomics
Classification: Benign. Review status: criteria provided, single submitter. Criteria: ACMG Guidelines, 2015. Collection method: not provided. Allele origin: germline. Inheritance: Autosomal dominant inheritance. Affected: yes.

PreventionGenetics, part of Exact Sciences
Classification: Likely benign for PLS1-related condition. Last evaluated: 2020-01-10. Review status: no assertion criteria provided. Collection method: clinical testing. Allele origin: germline. Not counted in ClinVar's aggregate classification.
Comment: This variant is classified as likely benign based on ACMG/AMP sequence variant interpretation guidelines (Richards et al. 2015 PMID: 25741868, with internal and published modifications).